The following is an entry in ClinVar:

ClinVar aggregate classification (germline): Uncertain significance (1 of 4 stars; one submission).

Conditions:
POLD1-related polyposis and colorectal cancer syndrome (CRCS10). Also called: COLORECTAL CANCER, SUSCEPTIBILITY TO, ON CHROMOSOME 19q; Colorectal cancer 10; Colorectal cancer, susceptibility to, 10. Identifiers: Orphanet 220460, MedGen C2675481, MONDO:0012953, OMIM 612591.

Submission:

Labcorp Genetics (formerly Invitae), Labcorp
Classification: Uncertain significance for POLD1-related polyposis and colorectal cancer syndrome. Last evaluated: 2025-03-18. Review status: criteria provided, single submitter. Criteria: Invitae Variant Classification Sherloc (09022015). Collection method: clinical testing. Allele origin: germline.
Comment: This sequence change replaces tyrosine, which is neutral and polar, with histidine, which is basic and polar, at codon 594 of the POLD1 protein (p.Tyr594His). This variant is not present in population databases (gnomAD no frequency). This variant has not been reported in the literature in individuals affected with POLD1-related conditions. Invitae Evidence Modeling of protein sequence and biophysical properties (such as structural, functional, and spatial information, amino acid conservation, physicochemical variation, residue mobility, and thermodynamic stability) indicates that this missense variant is not expected to disrupt POLD1 protein function with a negative predictive value of 80%. In summary, the available evidence is currently insufficient to determine the role of this variant in disease. Therefore, it has been classified as a Variant of Uncertain Significance.

NM_002691.4(POLD1):c.1780T>C (p.Tyr594His)

Gene: POLD1 (DNA polymerase delta 1, catalytic subunit; plus strand). Cytogenetic location: 19q13.33.
Variant type: single nucleotide variant.
Coding change: c.1780T>C on transcript NM_002691.4 (MANE Select); coding-DNA position 1780, T replaced by C.
Protein change: p.Tyr594His; replaces tyrosine 594 with histidine.
Molecular consequence: missense variant. On other transcripts: non-coding transcript variant (1).
Genome position (GRCh38, 1-based): chr19:50,408,789, T>C. VCF-style: chr19-50408789-T-C. GRCh37 (hg19) VCF-style: chr19-50912046-T-C.
Other names: c.1780T>C, p.Tyr594His (NM_001256849.1, NM_001438210.1, NM_001438211.1 and 2 more transcripts); c.1858T>C, p.Tyr620His (NM_001308632.1); short protein forms Y594H, Y620H.
Identifiers: ClinVar variation 4742292 (VCV004742292.1).